The following is an entry in ClinVar:

ClinVar aggregate classification (germline): Pathogenic/Likely pathogenic. Review status: criteria provided, multiple submitters, no conflicts (2 of 4 stars). 6 submissions from 6 submitters: Pathogenic (2); Likely pathogenic (4). Last evaluated 2025-03-06.

Conditions:
Zellweger spectrum disorders (ZS). Also called: Zellweger syndrome; Zellweger Spectrum Disorder (ZSD); Zellweger Spectrum Disorder; Zellweger Spectrum. Identifiers: Orphanet 912, MedGen C0043459, MONDO:0019609.
Heimler syndrome 2 (HMLR2). Also called: PEROXISOME BIOGENESIS DISORDER 4C. Identifiers: Orphanet 3220, MedGen C4225267, OMIM 616617, MONDO:0014709.
Peroxisome biogenesis disorder 4A (Zellweger) (PBD4A). Also called: Zellweger syndrome spectrum (PEX6-related). Identifiers: Orphanet 912, MedGen C3553936, MONDO:0013930, OMIM 614862. Disease mechanism: loss of function.
Peroxisome biogenesis disorder 4B (PBD4B). Also called: SPINOCEREBELLAR ATAXIA WITH BLINDNESS AND DEAFNESS 1. Identifiers: Orphanet 44, Orphanet 95433, MedGen C3553937, MONDO:0013931, OMIM 614863.
PEX6-related disorder. Also called: PEX6-related condition; PEX6-related disorders.
Peroxisome biogenesis disorder. Identifiers: Orphanet 79189, MedGen C1832200, MONDO:0019234. Disease mechanism: loss of function.

Submissions (6):

Natera, Inc.
Classification: Likely pathogenic for Zellweger syndrome. Last evaluated: 2025-03-06. Review status: criteria provided, single submitter. Criteria: Natera Variant Classification Schema (03/2026). Collection method: clinical testing. Allele origin: germline.
Comment: The c.1415delC variant in PEX6 is a frameshift variant predicted to shift the reading frame beginning at codon 472 and leads to a stop codon 8 codons downstream. This variant is expected to result in nonsense mediated decay, truncation, or a dysfunctional protein product. This variant is rare in the general population with a frequency below the threshold expected for the associated phenotype(s). Given the available evidence, this variant is classified as Likely Pathogenic.

PreventionGenetics, part of Exact Sciences
Classification: Pathogenic for PEX6-related condition. Last evaluated: 2025-02-21. Review status: criteria provided, single submitter. Criteria: ACMG Guidelines, 2015. Collection method: clinical testing. Allele origin: germline.
Comment: The PEX6 c.1415delC variant is predicted to result in a frameshift and premature protein termination (p.Pro472Glnfs*8). To our knowledge, this variant has not been reported in individuals with PEX6-related conditions. This variant has not been reported in a large population database (gnomAD), indicating this variant is rare. Loss-of-function variants in PEX6 have been shown to be pathogenic (Ebberink et al. 2011. PubMed ID: 21031596; Gao et al. 2019. PubMed ID: 31831025; Zhang et al. 1999. PubMed ID: 10408779). This variant is interpreted as pathogenic.

Labcorp Genetics (formerly Invitae), Labcorp
Classification: Pathogenic for Peroxisome biogenesis disorder. Last evaluated: 2025-01-06. Review status: criteria provided, single submitter. Criteria: Invitae Variant Classification Sherloc (09022015). Collection method: clinical testing. Allele origin: germline.
Comment: This sequence change creates a premature translational stop signal (p.Pro472Glnfs*8) in the PEX6 gene. It is expected to result in an absent or disrupted protein product. Loss-of-function variants in PEX6 are known to be pathogenic (PMID: 10408779, 21031596, 31831025). This variant is not present in population databases (gnomAD no frequency). This variant has not been reported in the literature in individuals affected with PEX6-related conditions. ClinVar contains an entry for this variant (Variation ID: 1369876). For these reasons, this variant has been classified as Pathogenic.

Fulgent Genetics
Classification: Likely pathogenic for Peroxisome biogenesis disorder 4A (Zellweger); Peroxisome biogenesis disorder 4B; Heimler syndrome 2. Last evaluated: 2024-02-25. Review status: criteria provided, single submitter. Criteria: ACMG Guidelines, 2015. Collection method: clinical testing. Allele origin: germline.

Baylor Genetics
Classification: Likely pathogenic for Heimler syndrome 2. Last evaluated: 2022-12-16. Review status: criteria provided, single submitter. Criteria: ACMG Guidelines, 2015. Collection method: clinical testing. Allele origin: unknown.

Neuberg Centre For Genomic Medicine, NCGM
Classification: Likely pathogenic for Peroxisome biogenesis disorder 4A (Zellweger). Review status: criteria provided, single submitter. Criteria: ACMG Guidelines, 2015. Collection method: clinical testing. Allele origin: germline. Inheritance: Autosomal recessive inheritance. Affected: yes.
Comment: The frameshift deletion p.P472Qfs*8 in PEX6 (NM_000287.4) has not been reported previously as a pathogenic variant nor as a benign variant, to our knowledge. The p.P472Qfs*8 variant is novel (not in any individuals) in gnomAD Exomes and is novel (not in any individuals) in 1000 Genomes. This variant is predicted to cause loss of normal protein function through protein truncation caused a frameshift mutation. The frame shifted sequence continues 8 residues until a stop codon is reached. The p.P472Qfs*8 variant is a loss of function variant in the gene PEX6, which is intolerant of Loss of Function variants. For these reasons, this variant has been classified as Likely Pathogenic.

Literature cited by the submitters: PubMed 10408779 (cited by Labcorp Genetics (formerly Invitae), Labcorp); PubMed 21031596 (cited by Labcorp Genetics (formerly Invitae), Labcorp); PubMed 31831025 (cited by Labcorp Genetics (formerly Invitae), Labcorp).

NM_000287.4(PEX6):c.1415del (p.Pro472fs)

Gene: PEX6 (peroxisomal biogenesis factor 6; minus strand). Cytogenetic location: 6p21.1.
Variant type: Deletion.
Coding change: c.1415del on transcript NM_000287.4 (MANE Select); coding-DNA position 1415, one base deleted (C; older notation c.1415delC).
Protein change: p.Pro472fs; shifts the reading frame from proline 472.
Molecular consequence: frameshift variant. On other transcripts: non-coding transcript variant (1).
Genome position (GRCh38, 1-based): chr6:42,968,938, G deleted on the plus strand (C on the coding strand, the reverse complement: PEX6 is on the minus strand); the first of 6 consecutive G bases (chr6:42,968,938-42,968,943); deleting any one gives the same sequence. VCF-style (leftmost placement, unchanged base first): chr6-42968937-TG-T. GRCh37 (hg19) VCF-style: chr6-42936675-TG-T.
Other names: c.1151del, p.Pro384fs (NM_001316313.2); c.1415delC (NM_000287.3); short protein forms P384fs, P472fs.
Identifiers: ClinVar variation 1369876 (VCV001369876.10), dbSNP rs267608219, ClinGen allele CA824875443.